The following is an entry in ClinVar:

ClinVar aggregate classification (germline): Pathogenic. Review status: criteria provided, multiple submitters, no conflicts (2 of 4 stars). 4 submissions from 4 submitters: Pathogenic (4). Last evaluated 2025-07-22.

Conditions:
Ehlers-Danlos syndrome, classic type, 1 (EDSCL1). Also called: Ehlers-Danlos Syndrome, Classic Type, COL5A1-Related; EHLERS-DANLOS SYNDROME, GRAVIS TYPE; EHLERS-DANLOS SYNDROME, SEVERE CLASSIC TYPE; Ehlers-Danlos syndrome, type 1; EDS I. Identifiers: MedGen C0268335, MONDO:0019567, OMIM 130000.
Thoracic aortic aneurysm or dissection.
Familial thoracic aortic aneurysm and aortic dissection (TAAD). Also called: Thoracic aortic aneurysms and dissections. Identifiers: Orphanet 91387, MedGen C4707243, MONDO:0019625.

Submissions (4):

Labcorp Genetics (formerly Invitae), Labcorp
Classification: Pathogenic for Ehlers-Danlos syndrome, classic type, 1. Last evaluated: 2025-07-22. Review status: criteria provided, single submitter. Criteria: Invitae Variant Classification Sherloc (09022015). Collection method: clinical testing. Allele origin: germline.
Comment: This sequence change creates a premature translational stop signal (p.Arg912*) in the COL5A1 gene. It is expected to result in an absent or disrupted protein product. Loss-of-function variants in COL5A1 are known to be pathogenic (PMID: 23587214). This variant is not present in population databases (gnomAD no frequency). This variant has not been reported in the literature in individuals affected with COL5A1-related conditions. ClinVar contains an entry for this variant (Variation ID: 213045). For these reasons, this variant has been classified as Pathogenic.

GeneDx
Classification: Pathogenic. Last evaluated: 2025-07-21. Review status: criteria provided, single submitter. Criteria: GeneDx Variant Classification Process June 2021. Collection method: clinical testing. Allele origin: germline. Affected: yes.
Comment: Nonsense variant predicted to result in protein truncation or nonsense mediated decay in a gene for which loss of function is a known mechanism of disease; Not observed at significant frequency in large population cohorts (gnomAD); Has not been previously published as pathogenic or benign to our knowledge

NHS Central & South Genomic Laboratory Hub
Classification: Pathogenic for Thoracic aortic aneurysm or dissection. Last evaluated: 2024-11-20. Review status: criteria provided, single submitter. Criteria: ACMG Guidelines, 2015. Collection method: clinical testing. Allele origin: germline. Affected: yes.

Ambry Genetics
Classification: Pathogenic for Familial thoracic aortic aneurysm and aortic dissection. Last evaluated: 2024-06-06. Review status: criteria provided, single submitter. Criteria: Ambry Variant Classification Scheme 2023. Collection method: clinical testing. Allele origin: germline.
Comment: The p.R912* pathogenic mutation (also known as c.2734C>T), located in coding exon 33 of the COL5A1 gene, results from a C to T substitution at nucleotide position 2734. This changes the amino acid from an arginine to a stop codon within coding exon 33. This variant is considered to be rare based on population cohorts in the Genome Aggregation Database (gnomAD). This alteration is expected to result in loss of function by premature protein truncation or nonsense-mediated mRNA decay. As such, this alteration is interpreted as a disease-causing mutation.

Literature cited by the submitters: PubMed 23587214 (cited by Labcorp Genetics (formerly Invitae), Labcorp).

NM_000093.5(COL5A1):c.2734C>T (p.Arg912Ter)

Gene: COL5A1 (collagen type V alpha 1 chain; plus strand). Cytogenetic location: 9q34.3.
Variant type: single nucleotide variant.
Coding change: c.2734C>T on transcript NM_000093.5 (MANE Select); coding-DNA position 2734, C replaced by T.
Protein change: p.Arg912Ter; replaces arginine 912 with a stop codon.
Molecular consequence: nonsense.
Genome position (GRCh38, 1-based): chr9:134,795,115, C>T. VCF-style: chr9-134795115-C-T. GRCh37 (hg19) VCF-style: chr9-137686961-C-T.
Other names: p.R912*:CGA>TGA; c.2734C>T, p.Arg912Ter (NM_001278074.1); short protein forms R912*.
Identifiers: ClinVar variation 213045 (VCV000213045.17), dbSNP rs863223478, ClinGen allele CA325399.